The following is an entry in ClinVar:

NM_002351.5(SH2D1A):c.*1321A>G

Gene: SH2D1A (SH2 domain containing 1A; plus strand). Cytogenetic location: Xq25.
Variant type: single nucleotide variant.
Coding change: c.*1321A>G on transcript NM_002351.5 (MANE Select); 1321 bases downstream of the stop codon, A replaced by G.
Molecular consequence: 3 prime UTR variant.
Genome position (GRCh38, 1-based): chrX:124,372,712, A>G. VCF-style: chrX-124372712-A-G. GRCh37 (hg19) VCF-style: chrX-123506562-A-G.
Other names: c.*1321A>G (NM_001114937.3).
Identifiers: ClinVar variation 367885 (VCV000367885.6), dbSNP rs6649207, ClinGen allele CA10653779.

ClinVar aggregate classification (germline): Benign. Review status: criteria provided, multiple submitters, no conflicts (2 of 4 stars). 2 submissions from 2 submitters: Benign (2). Last evaluated 2017-04-27.

Conditions:
X-linked lymphoproliferative disease due to SH2D1A deficiency (XLP1). Also called: EBV infection severe susceptibility to; Epstein Barr virus infection familial fatal; Duncan's syndrome; DUNCAN DISEASE; IMMUNODEFICIENCY 5; IMMUNODEFICIENCY, X-LINKED PROGRESSIVE COMBINED VARIABLE. Identifiers: Orphanet 2442, Orphanet 538931, MedGen C5399825, MONDO:0024551, OMIM 308240.

Allele frequency attached by ClinVar (database versions not stated): gnomAD exomes 0.16375; gnomAD 0.16714 and 0.16862; TOPMed 0.18219; 1000 Genomes Project 30x 0.18543; 1000 Genomes Project 0.18861.
gnomAD v4.1: 27,580 of 166,384 alleles (17%); highest among the groups gnomAD compares: East Asian, 31%; 1,934 homozygotes.

Submissions (2):

Illumina Laboratory Services, Illumina
Classification: Benign for X-linked lymphoproliferative disease due to SH2D1A deficiency. Last evaluated: 2017-04-27. Review status: criteria provided, single submitter. Criteria: ICSL Variant Classification Criteria 13 December 2019. Collection method: clinical testing. Allele origin: germline.
Comment: This variant was observed as part of a predisposition screen in an ostensibly healthy population. A literature search was performed for the gene, cDNA change, and amino acid change (where applicable). No publications were found based on this search. Allele frequency data from public databases was too high to be consistent with this variant causing disease. Therefore, this variant is classified as benign.

Breakthrough Genomics
Classification: Benign. Review status: criteria provided, single submitter. Criteria: ACMG Guidelines, 2015. Collection method: not provided. Allele origin: germline. Inheritance: X-linked inheritance. Affected: yes.